The following is an entry in ClinVar:

NM_000368.5(TSC1):c.364-14C>T

Gene: TSC1 (TSC complex subunit 1; minus strand). Cytogenetic location: 9q34.13.
Variant type: single nucleotide variant.
Coding change: c.364-14C>T on transcript NM_000368.5 (MANE Select); 14 bases into the intron before coding-DNA position 364, C replaced by T.
Molecular consequence: intron variant.
Genome position (GRCh38, 1-based): chr9:132,923,506, G>A on the plus strand (C>T on the coding strand, the complement: TSC1 is on the minus strand). VCF-style: chr9-132923506-G-A. GRCh37 (hg19) VCF-style: chr9-135798893-G-A.
Other names: c.1-14C>T (NM_001362177.2); c.211-14C>T (NM_001162427.2); c.364-14C>T (NM_001162426.2).
Identifiers: ClinVar variation 1574987 (VCV001574987.9), dbSNP rs1020420756, ClinGen allele CA200901631.

ClinVar aggregate classification (germline): Likely benign. Review status: criteria provided, multiple submitters, no conflicts (2 of 4 stars). 2 submissions from 2 submitters: Likely benign (2). Last evaluated 2025-10-25.

Conditions:
Tuberous sclerosis 1 (TSC1). Identifiers: Orphanet 805, MedGen C1854465, MONDO:0008612, OMIM 191100.

Allele frequency attached by ClinVar (database versions not stated): gnomAD exomes below 0.00001 and 0.00003; TOPMed below 0.00001.
gnomAD v4.1: 37 of 1,614,018 alleles (0.0023%); highest among the groups gnomAD compares: Non-Finnish European, 0.0031%; no homozygotes.

Submissions (2):

Labcorp Genetics (formerly Invitae), Labcorp
Classification: Likely benign for Tuberous sclerosis 1. Last evaluated: 2025-10-25. Review status: criteria provided, single submitter. Criteria: Invitae Variant Classification Sherloc (09022015). Collection method: clinical testing. Allele origin: germline.

Myriad Genetics, Inc.
Classification: Likely benign for Tuberous sclerosis 1. Last evaluated: 2025-04-08. Review status: criteria provided, single submitter. Criteria: Myriad Autosomal Dominant, Autosomal Recessive and X-Linked Classification Criteria (2023). Collection method: clinical testing. Allele origin: unknown.
Comment: This variant is considered likely benign. This variant is intronic and is not expected to impact mRNA splicing.